The following is an entry in ClinVar:

ClinVar aggregate classification (germline): Uncertain significance (1 of 4 stars; one submission).

Conditions:
Autosomal dominant hypocalcemia 1 (HYPOC1). Also called: HYPOCALCEMIA, FAMILIAL. Identifiers: MedGen C3715128, MONDO:0011013, OMIM 601198.
Familial hypocalciuric hypercalcemia (FHH). Also called: Familial benign hypercalcemia. Identifiers: Orphanet 405, MedGen C1809471, MONDO:0018458.

Allele frequency attached by ClinVar (database versions not stated): gnomAD exomes below 0.00001; TOPMed below 0.00001; ExAC 0.00001.
gnomAD v4.1: 3 of 1,613,836 alleles (0.00019%); highest among the groups gnomAD compares: Non-Finnish European, 0.00025%; no homozygotes.

Submission:

Labcorp Genetics (formerly Invitae), Labcorp
Classification: Uncertain significance for Familial hypocalciuric hypercalcemia; Autosomal dominant hypocalcemia 1. Last evaluated: 2023-11-24. Review status: criteria provided, single submitter. Criteria: Invitae Variant Classification Sherloc (09022015). Collection method: clinical testing. Allele origin: germline.
Comment: This sequence change replaces phenylalanine, which is neutral and non-polar, with leucine, which is neutral and non-polar, at codon 522 of the CASR protein (p.Phe522Leu). This variant is present in population databases (rs769907714, gnomAD 0.0009%). This variant has not been reported in the literature in individuals affected with CASR-related conditions. ClinVar contains an entry for this variant (Variation ID: 853832). An algorithm developed to predict the effect of missense changes on protein structure and function (PolyPhen-2) suggests that this variant is likely to be tolerated. In summary, the available evidence is currently insufficient to determine the role of this variant in disease. Therefore, it has been classified as a Variant of Uncertain Significance.

NM_000388.4(CASR):c.1566C>A (p.Phe522Leu)

Gene: CASR (calcium sensing receptor; plus strand). Cytogenetic location: 3q21.1.
Variant type: single nucleotide variant.
Coding change: c.1566C>A on transcript NM_000388.4 (MANE Select); coding-DNA position 1566, C replaced by A.
Protein change: p.Phe522Leu; replaces phenylalanine 522 with leucine.
Molecular consequence: missense variant.
Genome position (GRCh38, 1-based): chr3:122,276,000, C>A. VCF-style: chr3-122276000-C-A. GRCh37 (hg19) VCF-style: chr3-121994847-C-A.
Other names: c.1566C>A, p.Phe522Leu (NM_001178065.2); short protein forms F522L.
Identifiers: ClinVar variation 853832 (VCV000853832.10), dbSNP rs769907714, ClinGen allele CA2569680.
Genomic context (GRCh38, chr3:122,276,000, plus strand): 5'-CATCGTGTTTAAGGAAGTCGGGTATTACAACGTCTATGCCAAGAAGGGAGAAAGACTCTT[C>A]ATCAACGAGGAGAAAATCCTGTGGAGTGGGTTCTCCAGGGAGGTAGGTGCTGTCCATCAG-3'
Protein context (NP_000379.3, residues 512-532): NVYAKKGERL[Phe522Leu]INEEKILWSG